The following is an entry in ClinVar:

NM_002439.5(MSH3):c.1696C>T (p.His566Tyr)

Gene: MSH3 (mutS homolog 3; plus strand). Cytogenetic location: 5q14.1.
Variant type: single nucleotide variant.
Coding change: c.1696C>T on transcript NM_002439.5 (MANE Select); coding-DNA position 1696, C replaced by T.
Protein change: p.His566Tyr; replaces histidine 566 with tyrosine.
Molecular consequence: missense variant.
Genome position (GRCh38, 1-based): chr5:80,744,548, C>T. VCF-style: chr5-80744548-C-T. GRCh37 (hg19) VCF-style: chr5-80040367-C-T.
Other names: short protein forms H566Y.
Identifiers: ClinVar variation 2877236 (VCV002877236.4), dbSNP rs2546762053, ClinGen allele CA360274713.

ClinVar aggregate classification (germline): Uncertain significance. Review status: criteria provided, multiple submitters, no conflicts (2 of 4 stars). 2 submissions from 2 submitters: Uncertain significance (2). Last evaluated 2024-03-27.

Conditions:
Familial adenomatous polyposis 4 (FAP4). Also called: MSH3-related attenuated familial adenomatous polyposis. Identifiers: Orphanet 480536, MedGen C4310719, MONDO:0044300, OMIM 617100.

Submissions (2):

St. Jude Molecular Pathology, St. Jude Children's Research Hospital
Classification: Uncertain significance for Familial adenomatous polyposis 4. Last evaluated: 2024-03-27. Review status: criteria provided, single submitter. Criteria: St. Jude Assertion Criteria 2020. Collection method: clinical testing. Allele origin: germline.
Comment: The MSH3 c.1696C>T (p.His566Tyr) missense change is absent in gnomAD v2.1.1. The in silico tool REVEL predicts a deleterious effect on protein function, but to our knowledge this prediction has not been confirmed by functional studies. To our knowledge, this variant has not been reported in individuals with MSH3-associated polyposis syndrome. In summary, the evidence currently available is insufficient to determine the clinical significance of this variant. It has therefore been classified as of uncertain significance.

Labcorp Genetics (formerly Invitae), Labcorp
Classification: Uncertain significance. Last evaluated: 2023-03-14. Review status: criteria provided, single submitter. Criteria: Invitae Variant Classification Sherloc (09022015). Collection method: clinical testing. Allele origin: germline.
Comment: In summary, the available evidence is currently insufficient to determine the role of this variant in disease. Therefore, it has been classified as a Variant of Uncertain Significance. An algorithm developed to predict the effect of missense changes on protein structure and function (PolyPhen-2) suggests that this variant is likely to be disruptive. This variant has not been reported in the literature in individuals affected with MSH3-related conditions. This variant is not present in population databases (gnomAD no frequency). This sequence change replaces histidine, which is basic and polar, with tyrosine, which is neutral and polar, at codon 566 of the MSH3 protein (p.His566Tyr).